The following is an entry in ClinVar:

NM_018979.4(WNK1):c.564C>T (p.Gly188=)

Gene: WNK1 (WNK lysine deficient protein kinase 1; plus strand). Cytogenetic location: 12p13.33.
Variant type: single nucleotide variant.
Coding change: c.564C>T on transcript NM_018979.4 (MANE Select); coding-DNA position 564, C replaced by T.
Protein change: p.Gly188=; no amino-acid change (glycine 188 retained).
Molecular consequence: synonymous variant.
Genome position (GRCh38, 1-based): chr12:754,129, C>T. VCF-style: chr12-754129-C-T. GRCh37 (hg19) VCF-style: chr12-863295-C-T.
Other names: c.564C>T, p.Gly188= (NM_001184985.2, NM_014823.3, NM_213655.5).
Identifiers: ClinVar variation 471201 (VCV000471201.13), dbSNP rs72647371, ClinGen allele CA6381811.
Genomic context (GRCh38, chr12:754,129, plus strand): 5'-GCCTAGCCTTGTGGGGAGCAAAGAGGAGCCGCCGCCGGCGAGAAGTGGCAGCGGCGGCGG[C>T]AGCGCCAAGGAGCCACAGGAGGAACGGAGCCAGCAGCAGGATGATATCGAAGAGCTGGAG-3'
Protein context (NP_061852.3, residues 178-198): PPPARSGSGG[Gly188=]SAKEPQEERS

ClinVar aggregate classification (germline): Likely benign. Review status: criteria provided, multiple submitters, no conflicts (2 of 4 stars). 2 submissions from 2 submitters: Likely benign (2). Last evaluated 2025-11-25.

Conditions:
WNK1-related disorder. Also called: WNK1-related condition.
Neuropathy, hereditary sensory and autonomic, type 2A (HSAN2A). Also called: HSAN IIA; ACROOSTEOLYSIS, GIACCAI TYPE; ACROOSTEOLYSIS, NEUROGENIC; MORVAN DISEASE; NEUROPATHY, CONGENITAL SENSORY; NEUROPATHY, HEREDITARY SENSORY RADICULAR, AUTOSOMAL RECESSIVE. Identifiers: Orphanet 970, MedGen C2752089, MONDO:0024309, OMIM 201300.
Pseudohypoaldosteronism type 2C (PHA2C). Also called: Pseudohypoaldosteronism Type IIC. Identifiers: Orphanet 757, Orphanet 88940, MedGen C1840391, MONDO:0013778, OMIM 614492.

Allele frequency attached by ClinVar (database versions not stated): ExAC 0.00005; gnomAD 0.00023; TOPMed 0.00025; ESP Exome Variant Server 0.00031; 1000 Genomes Project 0.00040; 1000 Genomes Project 30x 0.00047.
gnomAD v4.1: 77 of 1,611,520 alleles (0.0048%); highest among the groups gnomAD compares: African/African-American, 0.1%; no homozygotes.

Submissions (2):

Labcorp Genetics (formerly Invitae), Labcorp
Classification: Likely benign for Neuropathy, hereditary sensory and autonomic, type 2A; Pseudohypoaldosteronism type 2C. Last evaluated: 2025-11-25. Review status: criteria provided, single submitter. Criteria: Invitae Variant Classification Sherloc (09022015). Collection method: clinical testing. Allele origin: germline.

PreventionGenetics, part of Exact Sciences
Classification: Likely benign for WNK1-related condition. Last evaluated: 2025-06-17. Review status: criteria provided, single submitter. Criteria: ACMG Guidelines, 2015. Collection method: clinical testing. Allele origin: germline.
Comment: This variant is classified as likely benign based on ACMG/AMP sequence variant interpretation guidelines (Richards et al. 2015 PMID: 25741868, with internal and published modifications).